The following is an entry in ClinVar:

ClinVar aggregate classification (germline): Uncertain significance (1 of 4 stars; one submission).

Conditions:
Cardiovascular phenotype. Identifiers: MedGen CN230736.
Hereditary cancer-predisposing syndrome. Also called: Tumor predisposition; Hereditary neoplastic syndrome; Neoplastic Syndromes, Hereditary; Hereditary Cancer Syndrome. Identifiers: Orphanet 140162, MedGen C0027672, MeSH D009386, MONDO:0015356.

Submission:

Ambry Genetics
Classification: Uncertain significance for Cardiovascular phenotype; Hereditary cancer-predisposing syndrome. Last evaluated: 2025-05-07. Review status: criteria provided, single submitter. Criteria: Ambry Variant Classification Scheme 2023. Collection method: clinical testing. Allele origin: germline.
Comment: The p.H2569L variant (also known as c.7706A>T), located in coding exon 52 of the NF1 gene, results from an A to T substitution at nucleotide position 7706. The histidine at codon 2569 is replaced by leucine, an amino acid with similar properties. This amino acid position is conserved. In addition, the in silico prediction for this alteration is inconclusive. Based on the available evidence, the clinical significance of this variant remains unclear.

NM_001042492.3(NF1):c.7769A>T (p.His2590Leu)

Gene: NF1 (neurofibromin 1; plus strand). Cytogenetic location: 17q11.2.
Variant type: single nucleotide variant.
Coding change: c.7769A>T on transcript NM_001042492.3 (MANE Select); coding-DNA position 7769, A replaced by T.
Protein change: p.His2590Leu; replaces histidine 2590 with leucine.
Molecular consequence: missense variant.
Genome position (GRCh38, 1-based): chr17:31,356,990, A>T. VCF-style: chr17-31356990-A-T. GRCh37 (hg19) VCF-style: chr17-29684008-A-T.
Other names: c.7706A>T, p.His2569Leu (NM_000267.4); short protein forms H2590L, H2569L.
Identifiers: ClinVar variation 4027843 (VCV004027843.1).
Genomic context (GRCh38, chr17:31,356,990, plus strand): 5'-TGATCACGTTAATTCCCTATCTTGCTGCAGAAACTCAGAGGATTTCCTCATCACAACAGC[A>T]CCCACATTTACGTAAAGTTTCAGTGTCTGAATCAAATGTTCTCTTGGATGAAGAAGTACT-3'
Protein context (NP_001035957.1, residues 2580-2600): ETQRISSSQQ[His2590Leu]PHLRKVSVSE